The following is an entry in ClinVar:

NM_052859.4(RFT1):c.1154A>G (p.Asn385Ser)

Gene: RFT1 (RFT1 glycolipid translocator homolog; minus strand). Cytogenetic location: 3p21.1.
Variant type: single nucleotide variant.
Coding change: c.1154A>G on transcript NM_052859.4 (MANE Select); coding-DNA position 1154, A replaced by G.
Protein change: p.Asn385Ser; replaces asparagine 385 with serine.
Molecular consequence: missense variant.
Genome position (GRCh38, 1-based): chr3:53,099,435, T>C on the plus strand (A>G on the coding strand, the complement: RFT1 is on the minus strand). VCF-style: chr3-53099435-T-C. GRCh37 (hg19) VCF-style: chr3-53133451-T-C.
Other names: short protein forms N385S.
Identifiers: ClinVar variation 2582408 (VCV002582408.4), dbSNP rs891986217, ClinGen allele CA74828779.

ClinVar aggregate classification (germline): Conflicting classifications of pathogenicity. Review status: criteria provided, conflicting classifications (1 of 4 stars). 2 submissions from 2 submitters: Likely pathogenic (1); Uncertain significance (1). Last evaluated 2023-03-15.

Conditions:
RFT1-congenital disorder of glycosylation (CDG1N). Also called: CDG In; RFT1-CDG; Congenital disorder of glycosylation type In. Identifiers: Orphanet 244310, MedGen C2677590, MONDO:0012783, OMIM 612015.

Allele frequency attached by ClinVar (database versions not stated): gnomAD 0.00001; gnomAD exomes 0.00001.
gnomAD v4.1: 15 of 1,613,920 alleles (0.00093%); highest among the groups gnomAD compares: Middle Eastern, 0.016%; no homozygotes.

Submissions (2):

Baylor Genetics
Classification: Likely pathogenic for RFT1-congenital disorder of glycosylation. Last evaluated: 2023-03-15. Review status: criteria provided, single submitter. Criteria: ACMG Guidelines, 2015. Collection method: clinical testing. Allele origin: unknown.

Labcorp Genetics (formerly Invitae), Labcorp
Classification: Uncertain significance for RFT1-congenital disorder of glycosylation. Last evaluated: 2023-02-13. Review status: criteria provided, single submitter. Criteria: Invitae Variant Classification Sherloc (09022015). Collection method: clinical testing. Allele origin: germline.
Comment: This sequence change replaces asparagine, which is neutral and polar, with serine, which is neutral and polar, at codon 385 of the RFT1 protein (p.Asn385Ser). This variant is present in population databases (no rsID available, gnomAD 0.01%). In summary, the available evidence is currently insufficient to determine the role of this variant in disease. Therefore, it has been classified as a Variant of Uncertain Significance. Advanced modeling of protein sequence and biophysical properties (such as structural, functional, and spatial information, amino acid conservation, physicochemical variation, residue mobility, and thermodynamic stability) performed at Invitae indicates that this missense variant is expected to disrupt RFT1 protein function. This missense change has been observed in individual(s) with clinical features of RFT1-related conditions (PMID: 28940097).

Literature cited by the submitters: PubMed 28940097 (cited by Labcorp Genetics (formerly Invitae), Labcorp).